The following is an entry in ClinVar:

ClinVar aggregate classification (germline): Uncertain significance (1 of 4 stars; one submission).

Conditions:
Inborn genetic diseases. Identifiers: MedGen C0950123, MeSH D030342.

Submission:

Ambry Genetics
Classification: Uncertain significance for Inborn genetic diseases. Last evaluated: 2026-07-06. Review status: criteria provided, single submitter. Criteria: Ambry Variant Classification Scheme 2023. Collection method: clinical testing. Allele origin: germline.
Comment: The p.P126S variant (also known as c.376C>T), located in coding exon 4 of the ETV6 gene, results from a C to T substitution at nucleotide position 376. The proline at codon 126 is replaced by serine, an amino acid with similar properties. This amino acid position is conserved. In addition, this alteration is predicted to be tolerated by in silico analysis. Based on the available evidence, the clinical significance of this variant remains unclear.

NM_001987.5(ETV6):c.376C>T (p.Pro126Ser)

Gene: ETV6 (ETS variant transcription factor 6; plus strand). Cytogenetic location: 12p13.2.
Variant type: single nucleotide variant.
Coding change: c.376C>T on transcript NM_001987.5 (MANE Select); coding-DNA position 376, C replaced by T.
Protein change: p.Pro126Ser; replaces proline 126 with serine.
Molecular consequence: missense variant.
Genome position (GRCh38, 1-based): chr12:11,853,474, C>T. VCF-style: chr12-11853474-C-T. GRCh37 (hg19) VCF-style: chr12-12006408-C-T.
Other names: c.373C>T, p.Pro125Ser (NM_001413913.1); c.349C>T, p.Pro117Ser (NM_001413914.1); c.112C>T, p.Pro38Ser (NM_001413915.1); c.376C>T, p.Pro126Ser (NM_001413916.1, NM_001413917.1); short protein forms P117S, P38S, P126S, P125S.
Identifiers: ClinVar variation 5036171 (VCV005036171.1).